The following is an entry in ClinVar:

ClinVar aggregate classification (germline): Uncertain significance (1 of 4 stars; one submission).

Conditions:
Tuberous sclerosis 2 (TSC2). Identifiers: Orphanet 805, MedGen C1860707, MONDO:0013199, OMIM 613254.

Submission:

Labcorp Genetics (formerly Invitae), Labcorp
Classification: Uncertain significance for Tuberous sclerosis 2. Last evaluated: 2023-04-05. Review status: criteria provided, single submitter. Criteria: Invitae Variant Classification Sherloc (09022015). Collection method: clinical testing. Allele origin: unknown.
Comment: In summary, the available evidence is currently insufficient to determine the role of this variant in disease. Therefore, it has been classified as a Variant of Uncertain Significance. Experimental studies and prediction algorithms are not available or were not evaluated, and the functional significance of this variant is currently unknown. This variant has not been reported in the literature in individuals affected with TSC2-related conditions. This variant results in a copy number gain of the genomic region encompassing exon(s) 42 of the TSC2 gene. This region includes the termination codon of the gene. This copy number gain extends beyond the assayed region for this gene and therefore may encompass additional genes. As the precise location of this event is unknown, it may be in tandem or it may be located elsewhere in the genome.

NC_000016.9:g.(?_2138427)_(2138611_?)dup

Gene: TSC2 (TSC complex subunit 2; plus strand). Cytogenetic location: 16p13.3.
Variant type: Duplication.
Identifiers: ClinVar variation 3243462 (VCV003243462.1).